The following is an entry in ClinVar:

ClinVar aggregate classification (germline): Conflicting classifications of pathogenicity. Review status: criteria provided, conflicting classifications (1 of 4 stars). 3 submissions from 3 submitters: Uncertain significance (1); Likely benign (2). Last evaluated 2026-01-08.

Conditions:
Cardiovascular phenotype. Identifiers: MedGen CN230736.

Allele frequency attached by ClinVar (database versions not stated): gnomAD 0.00003; ExAC 0.00008; TOPMed 0.00008.
gnomAD v4.1: 20 of 1,513,194 alleles (0.0013%); highest among the groups gnomAD compares: Admixed American, 0.045%; no homozygotes.

Submissions (3):

Labcorp Genetics (formerly Invitae), Labcorp
Classification: Likely benign. Last evaluated: 2026-01-08. Review status: criteria provided, single submitter. Criteria: Invitae Variant Classification Sherloc (09022015). Collection method: clinical testing. Allele origin: germline.

Ambry Genetics
Classification: Uncertain significance for Cardiovascular phenotype. Last evaluated: 2025-01-04. Review status: criteria provided, single submitter. Criteria: Ambry Variant Classification Scheme 2023. Collection method: clinical testing. Allele origin: germline.
Comment: The p.A25T variant (also known as c.73G>A), located in coding exon 1 of the LOX gene, results from a G to A substitution at nucleotide position 73. The alanine at codon 25 is replaced by threonine, an amino acid with similar properties. This amino acid position is conserved. In addition, this alteration is predicted to be tolerated by in silico analysis. Based on the available evidence, the clinical significance of this variant remains unclear.

Women's Health and Genetics/Laboratory Corporation of America, LabCorp
Classification: Likely benign. Last evaluated: 2023-08-24. Review status: criteria provided, single submitter. Criteria: LabCorp Variant Classification Summary - May 2015. Collection method: clinical testing. Allele origin: germline.

NM_002317.7(LOX):c.73G>A (p.Ala25Thr)

Genes: LOX (lysyl oxidase; minus strand), SRFBP1 (serum response factor binding protein 1; plus strand). Cytogenetic location: 5q23.1.
Variant type: single nucleotide variant.
Coding change: c.73G>A on transcript NM_002317.7 (MANE Select); coding-DNA position 73, G replaced by A.
Protein change: p.Ala25Thr; replaces alanine 25 with threonine.
Molecular consequence: missense variant.
Genome position (GRCh38, 1-based): chr5:122,077,913, C>T on the plus strand (G>A on the coding strand, the complement: LOX is on the minus strand). VCF-style: chr5-122077913-C-T. GRCh37 (hg19) VCF-style: chr5-121413608-C-T.
Other names: c.73G>A (NM_002317.5, NM_002317.6); short protein forms A25T.
Identifiers: ClinVar variation 2193300 (VCV002193300.7), dbSNP rs772082708, ClinGen allele CA3384129.
Genomic context (GRCh38, chr5:122,077,913, plus strand): 5'-GCTGGCGCCAGGCGCCCGGAGCCGCCGGCGGCTCGCGCGGGGGCTGCTGTTGGCCGGCGG[C>T]GGGAGGGGCGCAGTGCACTAGCGCGCAGAGCTGCAAAGGCCCGAGCAGGAGCACGGTCCA-3'
Protein context (NP_002308.2, residues 15-35): LCALVHCAPP[Ala25Thr]AGQQQPPREP